The following is an entry in ClinVar:

ClinVar aggregate classification (germline): Uncertain significance (1 of 4 stars; one submission).

Allele frequency attached by ClinVar (database versions not stated): gnomAD exomes 0.00001; TOPMed 0.00003; gnomAD 0.00005 and 0.00006.

Submission:

Laboratory for Molecular Medicine, Mass General Brigham Personalized Medicine
Classification: Uncertain significance. Last evaluated: 2019-02-06. Review status: criteria provided, single submitter. Criteria: LMM Criteria. Collection method: clinical testing. Allele origin: germline. Observed: 1 variant allele.
Comment: The p.Ala107Gly variant in OTOG has not been previously reported in individuals with hearing loss, but has been identified in 0.02% (4/15500) of African chromosomes by gnomAD. Computational prediction tools and conservation analysis do not provide strong support for or against an impact to the protein. In summary, the clinical significance of this variant is uncertain. ACMG/AMP Criteria applied: PM2_Supporting.

NM_001292063.2(OTOG):c.284C>G (p.Ala95Gly)

Gene: OTOG (otogelin; plus strand). Cytogenetic location: 11p15.1.
Variant type: single nucleotide variant.
Coding change: c.284C>G on transcript NM_001292063.2 (MANE Select); coding-DNA position 284, C replaced by G.
Protein change: p.Ala95Gly; replaces alanine 95 with glycine.
Molecular consequence: missense variant.
Genome position (GRCh38, 1-based): chr11:17,552,067, C>G. VCF-style: chr11-17552067-C-G. GRCh37 (hg19) VCF-style: chr11-17573614-C-G.
Other names: c.320C>G, p.Ala107Gly (NM_001277269.2); short protein forms A95G, A107G.
Identifiers: ClinVar variation 667299 (VCV000667299.5), dbSNP rs941077657, ClinGen allele CA218488302.